The following is an entry in ClinVar:

NM_001083926.2(ASRGL1):c.901G>A (p.Asp301Asn)

Gene: ASRGL1 (asparaginase and isoaspartyl peptidase 1; plus strand). Cytogenetic location: 11q12.3.
Variant type: single nucleotide variant.
Coding change: c.901G>A on transcript NM_001083926.2 (MANE Select); coding-DNA position 901, G replaced by A.
Protein change: p.Asp301Asn; replaces aspartic acid 301 with asparagine.
Molecular consequence: missense variant.
Genome position (GRCh38, 1-based): chr11:62,392,258, G>A. VCF-style: chr11-62392258-G-A. GRCh37 (hg19) VCF-style: chr11-62159730-G-A.
Other names: c.901G>A, p.Asp301Asn (NM_025080.4); short protein forms D301N.
Identifiers: ClinVar variation 1365609 (VCV001365609.8), dbSNP rs748211190, ClinGen allele CA6043351.

ClinVar aggregate classification (germline): Uncertain significance (1 of 4 stars; one submission).

Allele frequency attached by ClinVar (database versions not stated): ExAC 0.00001; gnomAD exomes 0.00001; TOPMed 0.00001.
gnomAD v4.1: 23 of 1,613,996 alleles (0.0014%); highest among the groups gnomAD compares: East Asian, 0.013%; no homozygotes.

Submission:

Labcorp Genetics (formerly Invitae), Labcorp
Classification: Uncertain significance. Last evaluated: 2024-02-17. Review status: criteria provided, single submitter. Criteria: Invitae Variant Classification Sherloc (09022015). Collection method: clinical testing. Allele origin: germline.
Comment: This sequence change replaces aspartic acid, which is acidic and polar, with asparagine, which is neutral and polar, at codon 301 of the ASRGL1 protein (p.Asp301Asn). This variant is present in population databases (rs748211190, gnomAD 0.01%). This variant has not been reported in the literature in individuals affected with ASRGL1-related conditions. ClinVar contains an entry for this variant (Variation ID: 1365609). An algorithm developed to predict the effect of missense changes on protein structure and function (PolyPhen-2) suggests that this variant is likely to be tolerated. In summary, the available evidence is currently insufficient to determine the role of this variant in disease. Therefore, it has been classified as a Variant of Uncertain Significance.